The following is an entry in ClinVar:

ClinVar aggregate classification (germline): Likely benign. Review status: criteria provided, multiple submitters, no conflicts (2 of 4 stars). 3 submissions from 3 submitters: Likely benign (3). Last evaluated 2024-01-05.

Conditions:
Hereditary breast ovarian cancer syndrome. Also called: Hereditary breast and/or ovarian cancer syndrome; Hereditary breast and ovarian cancer syndrome; Hereditary breast and ovarian cancer syndrome (HBOC); Hereditary breast and ovarian cancer; BRCA1- and BRCA2-Associated Hereditary Breast and Ovarian Cancer; Breast and ovarian cancer. Identifiers: Orphanet 145, MedGen C0677776, MeSH D061325, MONDO:0003582. Disease mechanism: loss of function.
Hereditary cancer-predisposing syndrome. Also called: Tumor predisposition; Hereditary neoplastic syndrome; Neoplastic Syndromes, Hereditary; Hereditary Cancer Syndrome. Identifiers: Orphanet 140162, MedGen C0027672, MeSH D009386, MONDO:0015356.

gnomAD v4.1: 3 of 1,612,682 alleles (0.00019%); highest among the groups gnomAD compares: South Asian, 0.0033%; no homozygotes.

Submissions (3):

Labcorp Genetics (formerly Invitae), Labcorp
Classification: Likely benign for Hereditary breast ovarian cancer syndrome. Last evaluated: 2024-01-05. Review status: criteria provided, single submitter. Criteria: Invitae Variant Classification Sherloc (09022015). Collection method: clinical testing. Allele origin: germline.

Ambry Genetics
Classification: Likely benign for Hereditary cancer-predisposing syndrome. Last evaluated: 2023-08-11. Review status: criteria provided, single submitter. Criteria: Ambry Variant Classification Scheme 2023. Collection method: clinical testing. Allele origin: germline.

GeneDx
Classification: Likely benign. Last evaluated: 2017-02-13. Review status: criteria provided, single submitter. Criteria: GeneDx Variant Classification (06012015). Collection method: clinical testing. Allele origin: germline. Affected: yes.
Comment: This variant is considered likely benign or benign based on one or more of the following criteria: it is a conservative change, it occurs at a poorly conserved position in the protein, it is predicted to be benign by multiple in silico algorithms, and/or has population frequency not consistent with disease.

NM_000059.4(BRCA2):c.2946A>C (p.Ile982=)

Gene: BRCA2 (BRCA2 DNA repair associated; plus strand). Cytogenetic location: 13q13.1.
Variant type: single nucleotide variant.
Coding change: c.2946A>C on transcript NM_000059.4 (MANE Select); coding-DNA position 2946, A replaced by C.
Protein change: p.Ile982=; no amino-acid change (isoleucine 982 retained).
Molecular consequence: synonymous variant.
Genome position (GRCh38, 1-based): chr13:32,337,301, A>C. VCF-style: chr13-32337301-A-C. GRCh37 (hg19) VCF-style: chr13-32911438-A-C.
Identifiers: ClinVar variation 382516 (VCV000382516.11), dbSNP rs80358541, ClinGen allele CA16606420.